The following is an entry in ClinVar:

ClinVar aggregate classification (germline): Uncertain significance (1 of 4 stars; one submission).

Conditions:
Long QT syndrome (LQTS). Identifiers: MedGen C0023976, MeSH D008133, MONDO:0002442. Disease mechanism: loss of function. Inheritance: Various modes of inheritance.

Submission:

Labcorp Genetics (formerly Invitae), Labcorp
Classification: Uncertain significance for Long QT syndrome. Last evaluated: 2023-11-21. Review status: criteria provided, single submitter. Criteria: Invitae Variant Classification Sherloc (09022015). Collection method: clinical testing. Allele origin: germline.
Comment: This sequence change falls in intron 11 of the ANK2 gene. It does not directly change the encoded amino acid sequence of the ANK2 protein. It affects a nucleotide within the consensus splice site. This variant is not present in population databases (gnomAD no frequency). This variant has not been reported in the literature in individuals affected with ANK2-related conditions. Variants that disrupt the consensus splice site are a relatively common cause of aberrant splicing (PMID: 17576681, 9536098). Algorithms developed to predict the effect of sequence changes on RNA splicing suggest that this variant is not likely to affect RNA splicing. In summary, the available evidence is currently insufficient to determine the role of this variant in disease. Therefore, it has been classified as a Variant of Uncertain Significance.

Literature cited by the submitters: PubMed 17576681; PubMed 9536098.

NM_001148.6(ANK2):c.1189-3C>T

Gene: ANK2 (ankyrin 2; plus strand). Cytogenetic location: 4q26.
Variant type: single nucleotide variant.
Coding change: c.1189-3C>T on transcript NM_001148.6 (MANE Select); 3 bases into the intron before coding-DNA position 1189, C replaced by T.
Molecular consequence: intron variant.
Genome position (GRCh38, 1-based): chr4:113,258,047, C>T. VCF-style: chr4-113258047-C-T. GRCh37 (hg19) VCF-style: chr4-114179203-C-T.
Other names: c.1177-3C>T (NM_001386186.2, NM_001386148.2); c.1176+2115C>T (NM_001354269.3); c.1153-3C>T (NM_001386187.2); c.1147-3C>T (NM_001386147.1, NM_001386160.1, NM_001354261.2); c.1126-3C>T (NM_001354254.2, NM_001354239.2, NM_001354252.2 and 14 more transcripts); c.1102-3C>T (NM_001354249.2, NM_001354266.2, NM_001354276.2 and 13 more transcripts); c.1101+2115C>T (NM_001386157.1, NM_001354277.2, NM_001386158.1); c.1234-3C>T (NM_001354241.2, NM_001386152.1, NM_001354237.2 and 5 more transcripts); and 4 more.
Identifiers: ClinVar variation 3009336 (VCV003009336.3), dbSNP rs2153633472, ClinGen allele CA2706865438.